The following is an entry in ClinVar:

ClinVar aggregate classification (germline): Likely benign (0 of 4 stars; one submission).

Conditions:
SLC27A5-related disorder. Also called: SLC27A5-related condition.

gnomAD v4.1: 49 of 1,613,964 alleles (0.003%); highest among the groups gnomAD compares: East Asian, 0.025%; no homozygotes.

Submission:

PreventionGenetics, part of Exact Sciences
Classification: Likely benign for SLC27A5-related condition. Last evaluated: 2024-08-23. Review status: no assertion criteria provided. Collection method: clinical testing. Allele origin: germline.
Comment: This variant is classified as likely benign based on ACMG/AMP sequence variant interpretation guidelines (Richards et al. 2015 PMID: 25741868, with internal and published modifications).

NM_012254.3(SLC27A5):c.1296C>T (p.Tyr432=)

Gene: SLC27A5 (solute carrier family 27 member 5; minus strand). Cytogenetic location: 19q13.43.
Variant type: single nucleotide variant.
Coding change: c.1296C>T on transcript NM_012254.3 (MANE Select); coding-DNA position 1296, C replaced by T.
Protein change: p.Tyr432=; no amino-acid change (tyrosine 432 retained).
Molecular consequence: synonymous variant.
Genome position (GRCh38, 1-based): chr19:58,500,593, G>A on the plus strand (C>T on the coding strand, the complement: SLC27A5 is on the minus strand). VCF-style: chr19-58500593-G-A. GRCh37 (hg19) VCF-style: chr19-59011960-G-A.
Other names: c.1044C>T, p.Tyr348= (NM_001321196.2).
Identifiers: ClinVar variation 3356545 (VCV003356545.1).